The following is an entry in ClinVar:

NM_000111.3(SLC26A3):c.1886T>C (p.Ile629Thr)

Gene: SLC26A3 (solute carrier family 26 member 3; minus strand). Cytogenetic location: 7q22.3.
Variant type: single nucleotide variant.
Coding change: c.1886T>C on transcript NM_000111.3 (MANE Select); coding-DNA position 1886, T replaced by C.
Protein change: p.Ile629Thr; replaces isoleucine 629 with threonine.
Molecular consequence: missense variant.
Genome position (GRCh38, 1-based): chr7:107,774,041, A>G on the plus strand (T>C on the coding strand, the complement: SLC26A3 is on the minus strand). VCF-style: chr7-107774041-A-G. GRCh37 (hg19) VCF-style: chr7-107414486-A-G.
Other names: short protein forms I629T.
Identifiers: ClinVar variation 1403296 (VCV001403296.5), dbSNP rs773964388, ClinGen allele CA4433659.

ClinVar aggregate classification (germline): Uncertain significance (1 of 4 stars; one submission).

Allele frequency attached by ClinVar (database versions not stated): gnomAD 0.00001; gnomAD exomes 0.00002; ExAC 0.00004.
gnomAD v4.1: 14 of 1,614,044 alleles (0.00087%); highest among the groups gnomAD compares: East Asian, 0.013%; no homozygotes.

Submission:

Labcorp Genetics (formerly Invitae), Labcorp
Classification: Uncertain significance. Last evaluated: 2022-08-17. Review status: criteria provided, single submitter. Criteria: Invitae Variant Classification Sherloc (09022015). Collection method: clinical testing. Allele origin: germline.
Comment: This sequence change replaces isoleucine, which is neutral and non-polar, with threonine, which is neutral and polar, at codon 629 of the SLC26A3 protein (p.Ile629Thr). This variant is present in population databases (rs773964388, gnomAD 0.02%). This variant has not been reported in the literature in individuals affected with SLC26A3-related conditions. ClinVar contains an entry for this variant (Variation ID: 1403296). Algorithms developed to predict the effect of missense changes on protein structure and function are either unavailable or do not agree on the potential impact of this missense change (SIFT: "Deleterious"; PolyPhen-2: "Probably Damaging"; Align-GVGD: "Class C0"). In summary, the available evidence is currently insufficient to determine the role of this variant in disease. Therefore, it has been classified as a Variant of Uncertain Significance.